The following is an entry in ClinVar:

ClinVar aggregate classification (germline): Likely benign (0 of 4 stars; one submission).

Conditions:
ARFGAP2-related disorder. Also called: ARFGAP2-related condition.

Allele frequency attached by ClinVar (database versions not stated): ExAC 0.00016; ESP Exome Variant Server 0.00054; TOPMed 0.00071; 1000 Genomes Project 0.00100; 1000 Genomes Project 30x 0.00109.

Submission:

PreventionGenetics, part of Exact Sciences
Classification: Likely benign for ARFGAP2-related condition. Last evaluated: 2019-10-28. Review status: no assertion criteria provided. Collection method: clinical testing. Allele origin: germline.
Comment: This variant is classified as likely benign based on ACMG/AMP sequence variant interpretation guidelines (Richards et al. 2015 PMID: 25741868, with internal and published modifications).

NM_032389.6(ARFGAP2):c.265-10T>C

Gene: ARFGAP2 (ARF GTPase activating protein 2; minus strand). Cytogenetic location: 11p11.2.
Variant type: single nucleotide variant.
Coding change: c.265-10T>C on transcript NM_032389.6 (MANE Select); 10 bases into the intron before coding-DNA position 265, T replaced by C.
Molecular consequence: intron variant.
Genome position (GRCh38, 1-based): chr11:47,175,323, A>G on the plus strand (T>C on the coding strand, the complement: ARFGAP2 is on the minus strand). VCF-style: chr11-47175323-A-G. GRCh37 (hg19) VCF-style: chr11-47196874-A-G.
Other names: c.265-10T>C (NM_001242832.2, NM_001410995.1).
Identifiers: ClinVar variation 3040603 (VCV003040603.2), dbSNP rs116818981, ClinGen allele CA5971715.
Genomic context (GRCh38, chr11:47,175,323, plus strand): 5'-TTTGGTGTTGGCATCATTGGCTGTGCATCCATGTTGGCGAAAAAAAGCCGTCTGGAGAGC[A>G]AAGAAGAGAGCAGCGCGTGCTACGGGTGATTCTCAAGAAGGAAACGTGTTGGCTGTAGGA-3'